The following is an entry in ClinVar:

ClinVar aggregate classification (germline): other (0 of 4 stars; one submission).

Conditions:
Familial colorectal cancer. Identifiers: MedGen CN280943, MONDO:0023113. Disease mechanism: loss of function.

Allele frequency attached by ClinVar (database versions not stated): 1000 Genomes Project 30x 0.03732; gnomAD 0.01007 and 0.01128; TOPMed 0.02041; 1000 Genomes Project 0.03614.
gnomAD v4.1: 1,717 of 152,136 alleles (1.1%); highest among the groups gnomAD compares: East Asian, 8%; 95 homozygotes.

Submission:

Systems Biology Platform Zhejiang California International NanoSystems Institute
Classification: other for Familial colorectal cancer. Review status: no assertion criteria provided. Collection method: not provided. Allele origin: unknown.
ClinVar note: Converted during submission from cancer to other.

NM_000038.6(APC):c.834+3389T>C

Gene: APC (APC regulator of WNT signaling pathway; plus strand). Cytogenetic location: 5q22.2.
Variant type: single nucleotide variant.
Coding change: c.834+3389T>C on transcript NM_000038.6 (MANE Select); 3389 bases into the intron after coding-DNA position 834, T replaced by C.
Molecular consequence: intron variant.
Genome position (GRCh38, 1-based): chr5:112,804,772, T>C. VCF-style: chr5-112804772-T-C. GRCh37 (hg19) VCF-style: chr5-112140469-T-C.
Other names: c.834+3389T>C (NM_001354895.2, NM_001127510.3, NM_001354896.2 and 1 more transcripts); c.864+3389T>C (NM_001354897.2, NM_001354902.2); c.780+3389T>C (NM_001127511.3); c.759+3389T>C (NM_001354898.2, NM_001354904.2); c.-202+3389T>C (NM_001354906.2); c.750+3389T>C (NM_001354899.2); c.657+3389T>C (NM_001354900.2, NM_001354901.2, NM_001354905.2).
Identifiers: ClinVar variation 83051 (VCV000083051.2), dbSNP rs75373311, ClinGen allele CA014721.
Genomic context (GRCh38, chr5:112,804,772, plus strand): 5'-TGCTGGGCATGGTGGCTCACACCTATAATCCCAACACTTAGGGAGGCCAAGCGGGAAGGA[T>C]TGCTTCAGGGTAGAAGTTCGAGTTCAACCTGGGCAACATAGGGAGACTTTGCCTCTGCAA-3'